The following is an entry in ClinVar:

ClinVar aggregate classification (germline): Uncertain significance (1 of 4 stars; one submission).

Submission:

Ambry Genetics
Classification: Uncertain significance. Last evaluated: 2021-10-26. Review status: criteria provided, single submitter. Criteria: Ambry Variant Classification Scheme 2023. Collection method: clinical testing. Allele origin: germline.
Comment: The p.A132S variant (also known as c.394G>T), located in coding exon 1 of the MLH3 gene, results from a G to T substitution at nucleotide position 394. The alanine at codon 132 is replaced by serine, an amino acid with similar properties. This amino acid position is conserved. In addition, this alteration is predicted to be tolerated by in silico analysis. Since supporting evidence is limited at this time, the clinical significance of this alteration remains unclear.

NM_001040108.2(MLH3):c.394G>T (p.Ala132Ser)

Gene: MLH3 (mutL homolog 3; minus strand). Cytogenetic location: 14q24.3.
Variant type: single nucleotide variant.
Coding change: c.394G>T on transcript NM_001040108.2 (MANE Select); coding-DNA position 394, G replaced by T.
Protein change: p.Ala132Ser; replaces alanine 132 with serine.
Molecular consequence: missense variant.
Genome position (GRCh38, 1-based): chr14:75,049,262, C>A on the plus strand (G>T on the coding strand, the complement: MLH3 is on the minus strand). VCF-style: chr14-75049262-C-A. GRCh37 (hg19) VCF-style: chr14-75515965-C-A.
Other names: c.394G>T, p.Ala132Ser (NM_014381.3); short protein forms A132S.
Identifiers: ClinVar variation 1736427 (VCV001736427.2), dbSNP rs148095325, ClinGen allele CA390450602.